The following is an entry in ClinVar:

ClinVar aggregate classification (germline): Uncertain significance (1 of 4 stars; one submission).

Conditions:
Hereditary cancer-predisposing syndrome. Also called: Tumor predisposition; Hereditary Cancer Syndrome; Hereditary neoplastic syndrome; Neoplastic Syndromes, Hereditary. Identifiers: Orphanet 140162, MedGen C0027672, MeSH D009386, MONDO:0015356.

Submission:

Ambry Genetics
Classification: Uncertain significance for Hereditary cancer-predisposing syndrome. Last evaluated: 2024-04-07. Review status: criteria provided, single submitter. Criteria: Ambry Variant Classification Scheme 2023. Collection method: clinical testing. Allele origin: germline.
Comment: The p.E464D variant (also known as c.1392A>C), located in coding exon 9 of the MSH3 gene, results from an A to C substitution at nucleotide position 1392. The glutamic acid at codon 464 is replaced by aspartic acid, an amino acid with highly similar properties. This amino acid position is conserved. In addition, the in silico prediction for this alteration is inconclusive. Based on the available evidence, the clinical significance of this variant remains unclear.

NM_002439.5(MSH3):c.1392A>C (p.Glu464Asp)

Gene: MSH3 (mutS homolog 3; plus strand). Cytogenetic location: 5q14.1.
Variant type: single nucleotide variant.
Coding change: c.1392A>C on transcript NM_002439.5 (MANE Select); coding-DNA position 1392, A replaced by C.
Protein change: p.Glu464Asp; replaces glutamic acid 464 with aspartic acid.
Molecular consequence: missense variant.
Genome position (GRCh38, 1-based): chr5:80,725,504, A>C. VCF-style: chr5-80725504-A-C. GRCh37 (hg19) VCF-style: chr5-80021323-A-C.
Other names: short protein forms E464D.
Identifiers: ClinVar variation 3296272 (VCV003296272.1).